The following is an entry in ClinVar:

ClinVar aggregate classification (germline): Likely pathogenic (1 of 4 stars; one submission).

Conditions:
Intellectual developmental disorder, X-linked 93. Also called: MENTAL RETARDATION, X-LINKED, WITH MACROCEPHALY; Intellectual disability, X-linked 93. Identifiers: MedGen C1970841, MONDO:0010393, OMIM 300659.

Submission:

Equipe Genetique des Anomalies du Developpement, Université de Bourgogne
Classification: Likely pathogenic for Intellectual developmental disorder, X-linked 93. Last evaluated: 2024-05-22. Review status: criteria provided, single submitter. Criteria: ACMG Guidelines, 2015. Collection method: clinical testing. Allele origin: maternal. Affected: yes.
Comment: The c.608T>G variant in BRWD3 results in a premature stop codon. This variant is absent from gnomAD (v4.1.0). Pathogenic variants (missense, truncating or splice) in this gene are responsible for X-linked intellectual developmental disorder (XLID) associated with macrocephaly and particular facial features (OMIM # 300659, PMID: 36414205). According to the available evidence, this variant is classified as likely pathogenic.

Literature cited by the submitters: PubMed 36414205.

NM_153252.5(BRWD3):c.608T>G (p.Leu203Ter)

Gene: BRWD3 (bromodomain and WD repeat domain containing 3; minus strand). Cytogenetic location: Xq21.1.
Variant type: single nucleotide variant.
Coding change: c.608T>G on transcript NM_153252.5 (MANE Select); coding-DNA position 608, T replaced by G.
Protein change: p.Leu203Ter; replaces leucine 203 with a stop codon.
Molecular consequence: nonsense.
Genome position (GRCh38, 1-based): chrX:80,744,237, A>C on the plus strand (T>G on the coding strand, the complement: BRWD3 is on the minus strand). VCF-style: chrX-80744237-A-C. GRCh37 (hg19) VCF-style: chrX-79999736-A-C.
Other names: short protein forms L203*.
Identifiers: ClinVar variation 3375485 (VCV003375485.2).